The following is an entry in ClinVar:

ClinVar aggregate classification (germline): Uncertain significance (1 of 4 stars; one submission).

Conditions:
Ritscher-Schinzel syndrome. Also called: CRANIOCEREBELLOCARDIAC DYSPLASIA. Identifiers: Orphanet 7, MedGen C0796137, MONDO:0019078.
Hereditary spastic paraplegia 8 (SPG8). Also called: SPASTIC PARAPLEGIA 8, AUTOSOMAL DOMINANT. Identifiers: Orphanet 100989, MedGen C1863704, MONDO:0011339, OMIM 603563.

gnomAD v4.1: 27 of 1,613,824 alleles (0.0017%); highest among the groups gnomAD compares: Non-Finnish European, 0.0021%; no homozygotes.

Submission:

Labcorp Genetics (formerly Invitae), Labcorp
Classification: Uncertain significance for Ritscher-Schinzel syndrome; Hereditary spastic paraplegia 8. Last evaluated: 2024-07-16. Review status: criteria provided, single submitter. Criteria: Invitae Variant Classification Sherloc (09022015). Collection method: clinical testing. Allele origin: germline.
Comment: This sequence change replaces arginine, which is basic and polar, with histidine, which is basic and polar, at codon 753 of the WASHC5 protein (p.Arg753His). This variant is present in population databases (rs551298653, gnomAD 0.006%). This variant has not been reported in the literature in individuals affected with WASHC5-related conditions. Advanced modeling of protein sequence and biophysical properties (such as structural, functional, and spatial information, amino acid conservation, physicochemical variation, residue mobility, and thermodynamic stability) performed at Invitae indicates that this missense variant is not expected to disrupt WASHC5 protein function with a negative predictive value of 80%. In summary, the available evidence is currently insufficient to determine the role of this variant in disease. Therefore, it has been classified as a Variant of Uncertain Significance.

NM_014846.4(WASHC5):c.2258G>A (p.Arg753His)

Gene: WASHC5 (WASH complex subunit 5; minus strand). Cytogenetic location: 8q24.13.
Variant type: single nucleotide variant.
Coding change: c.2258G>A on transcript NM_014846.4 (MANE Select); coding-DNA position 2258, G replaced by A.
Protein change: p.Arg753His; replaces arginine 753 with histidine.
Molecular consequence: missense variant.
Genome position (GRCh38, 1-based): chr8:125,049,127, C>T on the plus strand (G>A on the coding strand, the complement: WASHC5 is on the minus strand). VCF-style: chr8-125049127-C-T. GRCh37 (hg19) VCF-style: chr8-126061369-C-T.
Other names: c.1814G>A, p.Arg605His (NM_001330609.2); short protein forms R605H, R753H.
Identifiers: ClinVar variation 3753316 (VCV003753316.2).